The following is an entry in ClinVar:

ClinVar aggregate classification (germline): Uncertain significance (1 of 4 stars; one submission).

Conditions:
Joubert syndrome. Also called: CEREBELLOPARENCHYMAL DISORDER IV; JOUBERT-BOLTSHAUSER SYNDROME; Familial aplasia of the vermis. Identifiers: Orphanet 475, MedGen C5979921, MONDO:0018772.

Submission:

Labcorp Genetics (formerly Invitae), Labcorp
Classification: Uncertain significance for Joubert syndrome. Last evaluated: 2022-01-14. Review status: criteria provided, single submitter. Criteria: Invitae Variant Classification Sherloc (09022015). Collection method: clinical testing. Allele origin: germline.
Comment: In summary, the available evidence is currently insufficient to determine the role of this variant in disease. Therefore, it has been classified as a Variant of Uncertain Significance. Algorithms developed to predict the effect of missense changes on protein structure and function are either unavailable or do not agree on the potential impact of this missense change (SIFT: "Deleterious"; PolyPhen-2: "Possibly Damaging"; Align-GVGD: "Class C0"). This variant has not been reported in the literature in individuals affected with INPP5E-related conditions. This variant is not present in population databases (gnomAD no frequency). This sequence change replaces histidine, which is basic and polar, with leucine, which is neutral and non-polar, at codon 231 of the INPP5E protein (p.His231Leu).

NM_019892.6(INPP5E):c.692A>T (p.His231Leu)

Gene: INPP5E (inositol polyphosphate-5-phosphatase E; minus strand). Cytogenetic location: 9q34.3.
Variant type: single nucleotide variant.
Coding change: c.692A>T on transcript NM_019892.6 (MANE Select); coding-DNA position 692, A replaced by T.
Protein change: p.His231Leu; replaces histidine 231 with leucine.
Molecular consequence: missense variant.
Genome position (GRCh38, 1-based): chr9:136,438,728, T>A on the plus strand (A>T on the coding strand, the complement: INPP5E is on the minus strand). VCF-style: chr9-136438728-T-A. GRCh37 (hg19) VCF-style: chr9-139333180-T-A.
Other names: c.692A>T, p.His231Leu (NM_001318502.2); short protein forms H231L.
Identifiers: ClinVar variation 1488793 (VCV001488793.6), dbSNP rs779854628, ClinGen allele CA375567955.